The following is an entry in ClinVar:

ClinVar aggregate classification (germline): Uncertain significance (1 of 4 stars; one submission).

Conditions:
Inborn genetic diseases. Identifiers: MedGen C0950123, MeSH D030342.

Submission:

Ambry Genetics
Classification: Uncertain significance for Inborn genetic diseases. Last evaluated: 2026-05-14. Review status: criteria provided, single submitter. Criteria: Ambry Variant Classification Scheme 2023. Collection method: clinical testing. Allele origin: germline.
Comment: The p.K74E variant (also known as c.220A>G), located in coding exon 3 of the CEP57 gene, results from an A to G substitution at nucleotide position 220. The lysine at codon 74 is replaced by glutamic acid, an amino acid with similar properties. This amino acid position is conserved. In addition, the in silico prediction for this alteration is inconclusive. Based on the available evidence, the clinical significance of this variant remains unclear.

NM_014679.5(CEP57):c.220A>G (p.Lys74Glu)

Gene: CEP57 (centrosomal protein 57; plus strand). Cytogenetic location: 11q21.
Variant type: single nucleotide variant.
Coding change: c.220A>G on transcript NM_014679.5 (MANE Select); coding-DNA position 220, A replaced by G.
Protein change: p.Lys74Glu; replaces lysine 74 with glutamic acid.
Molecular consequence: missense variant. On other transcripts: intron variant (3).
Genome position (GRCh38, 1-based): chr11:95,812,949, A>G. VCF-style: chr11-95812949-A-G. GRCh37 (hg19) VCF-style: chr11-95546113-A-G.
Other names: c.139A>G, p.Lys47Glu (NM_001363604.2, NM_001440869.1, NM_001440870.1 and 3 more transcripts); c.220A>G, p.Lys74Glu (NM_001440871.1, NM_001440872.1, NM_001440874.1 and 4 more transcripts); c.193A>G, p.Lys65Glu (NM_001243776.2); c.203-519A>G (NM_001440873.1, NM_001440881.1); c.122-519A>G (NM_001440880.1); short protein forms K47E, K65E, K74E.
Identifiers: ClinVar variation 4868769 (VCV004868769.1).
Genomic context (GRCh38, chr11:95,812,949, plus strand): 5'-CATATGCTGTTACAGCATCCACGTTTGTGTTTGTATTTGGCAGCCATATTTTCTGCTCTT[A>G]AGAATCTTCAAGATAAGATTCGACGCTTGGAACTTGAGAGGATTCAGGCAGAAGAAAGTG-3'
Protein context (NP_055494.2, residues 64-84): SNSRAIFSAL[Lys74Glu]NLQDKIRRLE